The following is an entry in ClinVar:

ClinVar aggregate classification (germline): Conflicting classifications of pathogenicity. Review status: criteria provided, conflicting classifications (1 of 4 stars). 12 submissions from 12 submitters: Uncertain significance (7); Likely benign (1). 4 of the submissions do not count toward it. Last evaluated 2025-10-27.

Conditions:
PALB2-related disorder. Also called: PALB2-related condition; PALB2-related disorders.
Hereditary cancer-predisposing syndrome. Also called: Tumor predisposition; Neoplastic Syndromes, Hereditary; Hereditary neoplastic syndrome; Hereditary Cancer Syndrome. Identifiers: Orphanet 140162, MedGen C0027672, MeSH D009386, MONDO:0015356.
Carcinoma of colon (CRC). Also called: Colonic carcinoma; Colon carcinoma. Identifiers: MedGen C0699790, MONDO:0002032.
Familial cancer of breast. Also called: BREAST CANCER, FAMILIAL; hereditary breast carcinoma; Hereditary breast cancer. Identifiers: Orphanet 227535, MedGen C0346153, MONDO:0016419, OMIM 114480. Disease mechanism: loss of function.
Malignant tumor of breast. Also called: Malignant breast neoplasm; Cancer breast. Identifiers: MedGen C0006142, MONDO:0007254. Disease mechanism: loss of function.

Allele frequency attached by ClinVar (database versions not stated): gnomAD exomes 0.00001 and 0.00002; ExAC 0.00002; gnomAD 0.00003; TOPMed 0.00003.
gnomAD v4.1: 18 of 1,613,914 alleles (0.0011%); highest among the groups gnomAD compares: Admixed American, 0.005%; no homozygotes.

Submissions (12):

Labcorp Genetics (formerly Invitae), Labcorp
Classification: Uncertain significance for Familial cancer of breast. Last evaluated: 2025-10-27. Review status: criteria provided, single submitter. Criteria: Invitae Variant Classification Sherloc (09022015). Collection method: clinical testing. Allele origin: germline.
Comment: This sequence change replaces threonine, which is neutral and polar, with methionine, which is neutral and non-polar, at codon 589 of the PALB2 protein (p.Thr589Met). This variant is present in population databases (rs773340677, gnomAD 0.005%). This variant has not been reported in the literature in individuals affected with PALB2-related conditions. ClinVar contains an entry for this variant (Variation ID: 187669). Invitae Evidence Modeling of protein sequence and biophysical properties (such as structural, functional, and spatial information, amino acid conservation, physicochemical variation, residue mobility, and thermodynamic stability) indicates that this missense variant is not expected to disrupt PALB2 protein function with a negative predictive value of 80%. In summary, the available evidence is currently insufficient to determine the role of this variant in disease. Therefore, it has been classified as a Variant of Uncertain Significance.

Color Diagnostics, LLC DBA Color Health
Classification: Uncertain significance for Hereditary cancer-predisposing syndrome. Last evaluated: 2024-09-05. Review status: criteria provided, single submitter. Criteria: ACMG Guidelines, 2015. Collection method: clinical testing. Allele origin: germline.
Comment: This missense variant replaces threonine with methionine at codon 589 of the PALB2 protein. Computational prediction suggests that this variant may not impact protein structure and function. To our knowledge, functional studies have not been reported for this variant. This variant has been detected in a breast cancer case-control meta-analysis in 3/60466 cases and 1/53461 unaffected individuals (PMID: 33471991; Leiden Open Variation Database DB-ID PALB2_010342), and it also has been reported in an individual affected with colorectal cancer (PMID: 28944238). This variant has been identified in 6/282278 chromosomes in the general population by the Genome Aggregation Database (gnomAD). The available evidence is insufficient to determine the role of this variant in disease conclusively. Therefore, this variant is classified as a Variant of Uncertain Significance.

Ambry Genetics
Classification: Likely benign for Hereditary cancer-predisposing syndrome. Last evaluated: 2024-06-03. Review status: criteria provided, single submitter. Criteria: Ambry Variant Classification Scheme 2023. Collection method: clinical testing. Allele origin: germline.

GeneDx
Classification: Uncertain significance. Last evaluated: 2023-06-14. Review status: criteria provided, single submitter. Criteria: GeneDx Variant Classification Process June 2021. Collection method: clinical testing. Allele origin: germline. Affected: yes.
Comment: In silico analysis supports that this missense variant does not alter protein structure/function; Observed in an individual with colorectal cancer (DeRycke et al., 2017); This variant is associated with the following publications: (PMID: 28944238, 33471991)

Myriad Genetics, Inc.
Classification: Uncertain significance for Familial cancer of breast. Last evaluated: 2023-03-30. Review status: criteria provided, single submitter. Criteria: Myriad Autosomal Dominant, Autosomal Recessive and X-Linked Classification Criteria (2023). Collection method: clinical testing. Allele origin: unknown.
Comment: This variant is classified as a variant of uncertain significance as there is insufficient evidence to determine its impact on protein function and/or cancer risk.

Blueprint Genetics
Classification: Uncertain significance. Last evaluated: 2022-02-18. Review status: criteria provided, single submitter. Criteria: ACMG Guidelines, 2015. Collection method: clinical testing. Allele origin: germline.

Sema4
Classification: Uncertain significance for Hereditary cancer-predisposing syndrome. Last evaluated: 2021-09-24. Review status: criteria provided, single submitter. Criteria: Sema4 Curation Guidelines. Collection method: curation. Allele origin: germline.
Comment: The PALB2 c.1766C>T (p.T589M) variant has been reported in at least one individual with breast cancer, at least one individual with colorectal cancer, and in unaffected controls (PMID: 33471991, 28944238). It was observed in 1/19940 chromosomes of the East Asian subpopulation in the large and broad cohorts of the Genome Aggregation Database (PMID: 32461654). The variant has been reported in ClinVar (Variation ID: 187669). In silico tools suggest the impact of the variant on protein function is benign, though these predictions have not been confirmed by functional studies. The evidence is insufficient to meet ACMG/AMP criteria for classifying the variant as benign or pathogenic. Thus, the clinical significance of this variant is currently uncertain.

Women's Health and Genetics/Laboratory Corporation of America, LabCorp
Classification: Uncertain significance. Last evaluated: 2020-04-17. Review status: criteria provided, single submitter. Criteria: LabCorp Variant Classification Summary - May 2015. Collection method: clinical testing. Allele origin: germline.
Comment: Variant summary: PALB2 c.1766C>T (p.Thr589Met) results in a non-conservative amino acid change in the encoded protein sequence. Four of five in-silico tools predict a benign effect of the variant on protein function. The variant allele was found at a frequency of 2e-05 in 250874 control chromosomes (gnomAD). The available data on variant occurrences in the general population are insufficient to allow any conclusion about variant significance. To our knowledge, no occurrence of c.1766C>T in individuals affected with Hereditary Breast and Ovarian Cancer Syndrome and no experimental evidence demonstrating its impact on protein function have been reported. Six clinical diagnostic laboratories have submitted clinical-significance assessments for this variant to ClinVar after 2014 without evidence for independent evaluation. All laboratories classified the variant as uncertain significance. Based on the evidence outlined above, the variant was classified as uncertain significance.

PreventionGenetics, part of Exact Sciences
Classification: Uncertain significance for PALB2-related condition. Last evaluated: 2024-03-25. Review status: no assertion criteria provided. Collection method: clinical testing. Allele origin: germline. Not counted in ClinVar's aggregate classification.
Comment: The PALB2 c.1766C>T variant is predicted to result in the amino acid substitution p.Thr589Met. This variant has been reported in individuals with breast cancer (supplemental data, Breast Cancer Association Consortium et al. 2021. PubMed ID: 33471991) and in a case of mismatch repair deficient colorectal cancer (Table S2, DeRycke et al. 2017. PubMed ID: 28944238). However, it has also been reported in a control cohort in a study of biliary tract cancer (Table S2, Okawa et al. 2023. PubMed ID: 36243179). This variant is reported in 0.0050% of alleles in individuals of East Asian descent in gnomAD and has been interpreted as uncertain in ClinVar. At this time, the clinical significance of this variant is uncertain due to the absence of conclusive functional and genetic evidence.

Counsyl
Classification: Uncertain significance for Familial cancer of breast. Last evaluated: 2018-05-21. Review status: no assertion criteria provided. Collection method: clinical testing. Allele origin: unknown. Not counted in ClinVar's aggregate classification.

Leiden Open Variation Database
Classification: Uncertain significance for Colorectal cancer. Last evaluated: 2017-01-31. Review status: no assertion criteria provided. Collection method: curation. Allele origin: germline. Affected: yes. Not counted in ClinVar's aggregate classification.
Comment: Curators: Marc Tischkowitz, Arleen D. Auerbach. Submitter to LOVD: Melissa DeRycke.

Department of Pathology and Laboratory Medicine, Sinai Health System
Classification: Uncertain significance for Malignant tumor of breast. Review status: no assertion criteria provided. Collection method: clinical testing. Allele origin: unknown. Affected: yes. Study: The Canadian Open Genetics Repository (COGR). Not counted in ClinVar's aggregate classification.
Comment: The PALB2 p.Thr589Met variant was not identified in the literature nor was it identified in the Cosmic, MutDB, or the Zhejiang University Database. The variant was identified in dbSNP (ID: rs773340677) as â€šÃ„ÃºWith Uncertain significance alleleâ€šÃ„Ã¹, in ClinVar and Clinvitae (4x as uncertain significance by Ambry Genetics, Invitae, GeneDx, Color Genomics) and LOVD 3.0 (1x). The variant was identified in control databases in 6 of 276658 chromosomes at a frequency of 0.000022 (Genome Aggregation Database Feb 27, 2017). It was observed in the following populations: Latino in 1 of 34408 chromosomes (freq: 0.00003), European Non-Finnish in 4 of 126266 chromosomes (freq: 0.00003), East Asian in 1 of 18858 chromosomes (freq: 0.00005); it was not observed in the African, Other, Ashkenazi Jewish, European Finnish, and South Asian populations. The p.Thr589Met residue is not conserved in mammals and computational analyses (PolyPhen-2, SIFT, AlignGVGD, BLOSUM, MutationTaster) provide inconsistent predictions regarding the impact to the protein; this information is not very predictive of pathogenicity. The variant occurs outside of the splicing consensus sequence and in silico or computational prediction software programs (SpliceSiteFinder, MaxEntScan, NNSPLICE, GeneSplicer, HumanSpliceFinder) do not predict a difference in splicing. In summary, based on the above information the clinical significance of this variant cannot be determined with certainty at this time. This variant is classified as a variant of uncertain significance.

Literature cited by the submitters: PubMed 28944238 (cited by 4 submitters); PubMed 33471991 (cited by 3 submitters).

NM_024675.4(PALB2):c.1766C>T (p.Thr589Met)

Gene: PALB2 (partner and localizer of BRCA2; minus strand). Cytogenetic location: 16p12.2.
Variant type: single nucleotide variant.
Coding change: c.1766C>T on transcript NM_024675.4 (MANE Select); coding-DNA position 1766, C replaced by T.
Protein change: p.Thr589Met; replaces threonine 589 with methionine.
Molecular consequence: missense variant.
Genome position (GRCh38, 1-based): chr16:23,630,388, G>A on the plus strand (C>T on the coding strand, the complement: PALB2 is on the minus strand). VCF-style: chr16-23630388-G-A. GRCh37 (hg19) VCF-style: chr16-23641709-G-A.
Other names: short protein forms T589M.
Identifiers: ClinVar variation 187669 (VCV000187669.33), dbSNP rs773340677, ClinGen allele CA198251.
Genomic context (GRCh38, chr16:23,630,388, plus strand): 5'-ATACTGAGAAAAGACAGTAGTTGCTTTAAACTCAGCATTCCATCCCTATGAAATGGAGCC[G>A]TGAAAGCATCATCATCCAAGGATAAATAAGCACTATTACTCCAAGAAAGGGAATCCTCTT-3'
Protein context (NP_078951.2, residues 579-599): AYLSLDDDAF[Thr589Met]APFHRDGMLS